The following is an entry in ClinVar:

ClinVar aggregate classification (germline): Uncertain significance. Review status: criteria provided, multiple submitters, no conflicts (2 of 4 stars). 2 submissions from 2 submitters: Uncertain significance (2). Last evaluated 2025-02-15.

Allele frequency attached by ClinVar (database versions not stated): gnomAD 0.00002 and 0.00003; gnomAD exomes 0.00002 and 0.00003; TOPMed 0.00002; ExAC 0.00005.
gnomAD v4.1: 27 of 1,586,714 alleles (0.0017%); highest among the groups gnomAD compares: South Asian, 0.019%; no homozygotes.

Submissions (2):

Labcorp Genetics (formerly Invitae), Labcorp
Classification: Uncertain significance. Last evaluated: 2025-02-15. Review status: criteria provided, single submitter. Criteria: Invitae Variant Classification Sherloc (09022015). Collection method: clinical testing. Allele origin: germline.
Comment: This sequence change replaces arginine, which is basic and polar, with glutamine, which is neutral and polar, at codon 148 of the FSCN2 protein (p.Arg148Gln). The frequency data for this variant in the population databases is considered unreliable, as metrics indicate poor data quality at this position in the gnomAD database. This variant has not been reported in the literature in individuals affected with FSCN2-related conditions. ClinVar contains an entry for this variant (Variation ID: 1360125). An algorithm developed to predict the effect of missense changes on protein structure and function (PolyPhen-2) suggests that this variant is likely to be disruptive. In summary, the available evidence is currently insufficient to determine the role of this variant in disease. Therefore, it has been classified as a Variant of Uncertain Significance.

Ambry Genetics
Classification: Uncertain significance. Last evaluated: 2023-06-02. Review status: criteria provided, single submitter. Criteria: Ambry Variant Classification Scheme 2023. Collection method: clinical testing. Allele origin: germline.

NM_012418.4(FSCN2):c.443G>A (p.Arg148Gln)

Gene: FSCN2 (fascin actin-bundling protein 2, retinal; plus strand). Cytogenetic location: 17q25.3.
Variant type: single nucleotide variant.
Coding change: c.443G>A on transcript NM_012418.4 (MANE Select); coding-DNA position 443, G replaced by A.
Protein change: p.Arg148Gln; replaces arginine 148 with glutamine.
Molecular consequence: missense variant.
Genome position (GRCh38, 1-based): chr17:81,528,974, G>A. VCF-style: chr17-81528974-G-A. GRCh37 (hg19) VCF-style: chr17-79496000-G-A.
Other names: c.443G>A (NM_001077182.2); c.443G>A, p.Arg148Gln (NM_001077182.3); short protein forms R148Q.
Identifiers: ClinVar variation 1360125 (VCV001360125.7), dbSNP rs782446027, ClinGen allele CA8836679.